The following is an entry in ClinVar:

NM_014915.3(ANKRD26):c.4415T>C (p.Leu1472Pro)

Gene: ANKRD26 (ankyrin repeat domain containing 26; minus strand). Cytogenetic location: 10p12.1.
Variant type: single nucleotide variant.
Coding change: c.4415T>C on transcript NM_014915.3 (MANE Select); coding-DNA position 4415, T replaced by C.
Protein change: p.Leu1472Pro; replaces leucine 1472 with proline.
Molecular consequence: missense variant.
Genome position (GRCh38, 1-based): chr10:27,017,593, A>G on the plus strand (T>C on the coding strand, the complement: ANKRD26 is on the minus strand). VCF-style: chr10-27017593-A-G. GRCh37 (hg19) VCF-style: chr10-27306522-A-G.
Other names: c.4412T>C, p.Leu1471Pro (NM_001256053.2); short protein forms L1471P, L1472P.
Identifiers: ClinVar variation 4104023 (VCV004104023.1).

ClinVar aggregate classification (germline): Uncertain significance (1 of 4 stars; one submission).

Conditions:
Inborn genetic diseases. Identifiers: MedGen C0950123, MeSH D030342.

gnomAD v4.1: 6 of 1,613,666 alleles (0.00037%); highest among the groups gnomAD compares: South Asian, 0.0066%; no homozygotes.

Submission:

Ambry Genetics
Classification: Uncertain significance for Inborn genetic diseases. Last evaluated: 2025-08-05. Review status: criteria provided, single submitter. Criteria: Ambry Variant Classification Scheme 2023. Collection method: clinical testing. Allele origin: germline.
Comment: The p.L1472P variant (also known as c.4415T>C), located in coding exon 30 of the ANKRD26 gene, results from a T to C substitution at nucleotide position 4415. The leucine at codon 1472 is replaced by proline, an amino acid with similar properties. This amino acid position is conserved. In addition, this alteration is predicted to be tolerated by in silico analysis. Based on the available evidence, the clinical significance of this variant remains unclear.